The following is an entry in ClinVar:

ClinVar aggregate classification (germline): Uncertain significance (1 of 4 stars; one submission).

Conditions:
Ehlers-Danlos syndrome, classic type, 1 (EDSCL1). Also called: EHLERS-DANLOS SYNDROME, GRAVIS TYPE; EHLERS-DANLOS SYNDROME, SEVERE CLASSIC TYPE; EDS I; Ehlers-Danlos Syndrome, Classic Type, COL5A1-Related; Ehlers-Danlos syndrome, type 1. Identifiers: MedGen C0268335, MONDO:0019567, OMIM 130000.

Submission:

Labcorp Genetics (formerly Invitae), Labcorp
Classification: Uncertain significance for Ehlers-Danlos syndrome, classic type, 1. Last evaluated: 2017-04-14. Review status: criteria provided, single submitter. Criteria: Invitae Variant Classification Sherloc (09022015). Collection method: clinical testing. Allele origin: germline.
Comment: This variant is not present in population databases (ExAC no frequency) and has not been reported in the literature in individuals with a COL5A1-related disease. This sequence change falls in intron 1 of the COL5A1 gene. It does not directly change the encoded amino acid sequence of the COL5A1 protein. Algorithms developed to predict the effect of sequence changes on RNA splicing suggest that this variant may alter RNA splicing, but this prediction has not been confirmed by published transcriptional studies. In summary, this is a novel intronic change with uncertain impact on splicing. It has been classified as a Variant of Uncertain Significance.

NM_000093.5(COL5A1):c.110-3C>G

Gene: COL5A1 (collagen type V alpha 1 chain; plus strand). Cytogenetic location: 9q34.3.
Variant type: single nucleotide variant.
Coding change: c.110-3C>G on transcript NM_000093.5 (MANE Select); 3 bases into the intron before coding-DNA position 110, C replaced by G.
Molecular consequence: intron variant.
Genome position (GRCh38, 1-based): chr9:134,690,909, C>G. VCF-style: chr9-134690909-C-G. GRCh37 (hg19) VCF-style: chr9-137582755-C-G.
Other names: c.110-3C>G (NM_001278074.1).
Identifiers: ClinVar variation 459651 (VCV000459651.8), dbSNP rs1554780148, ClinGen allele CA658657937.